The following is an entry in ClinVar:

NM_001330260.2(SCN8A):c.3422C>T (p.Pro1141Leu)

Gene: SCN8A (sodium voltage-gated channel alpha subunit 8; plus strand). Cytogenetic location: 12q13.13.
Variant type: single nucleotide variant.
Coding change: c.3422C>T on transcript NM_001330260.2 (MANE Select); coding-DNA position 3422, C replaced by T.
Protein change: p.Pro1141Leu; replaces proline 1141 with leucine.
Molecular consequence: missense variant.
Genome position (GRCh38, 1-based): chr12:51,769,917, C>T. VCF-style: chr12-51769917-C-T. GRCh37 (hg19) VCF-style: chr12-52163701-C-T.
Other names: c.3422C>T (NM_014191.3); c.3422C>T, p.Pro1141Leu (NM_001177984.3, NM_001369788.1, NM_014191.4); short protein forms P1141L.
Identifiers: ClinVar variation 1923446 (VCV001923446.9), dbSNP rs2540269077, ClinGen allele CA384895302.

ClinVar aggregate classification (germline): Uncertain significance. Review status: criteria provided, multiple submitters, no conflicts (2 of 4 stars). 4 submissions from 4 submitters: Uncertain significance (4). Last evaluated 2026-03-10.

Conditions:
Early-infantile DEE. Also called: Early infantile epileptic encephalopathy with suppression bursts; Early infantile epileptic encephalopathy; Ohtahara syndrome. Identifiers: Orphanet 1934, MedGen C0393706, MONDO:0800491.
Developmental and epileptic encephalopathy, 13 (DEE13). Also called: Early infantile epileptic encephalopathy 13; SCN8A-Related Epilepsy; Developmental and Epileptic Encephalopathy (SCN8A-DEE). Identifiers: Orphanet 442835, MedGen C3281191, MONDO:0013801, OMIM 614558.

Submissions (4):

GeneDx
Classification: Uncertain significance. Last evaluated: 2026-03-10. Review status: criteria provided, single submitter. Criteria: GeneDx Variant Classification Process June 2021. Collection method: clinical testing. Allele origin: germline.
Comment: Has not been previously published as pathogenic or benign to our knowledge; Not observed at significant frequency in large population cohorts (gnomAD); In silico analysis supports that this missense variant has a deleterious effect on protein structure/function; This substitution is predicted to be within the cytoplasmic loop between the second and third homologous domains

Labcorp Genetics (formerly Invitae), Labcorp
Classification: Uncertain significance for Early-infantile DEE. Last evaluated: 2025-09-02. Review status: criteria provided, single submitter. Criteria: Invitae Variant Classification Sherloc (09022015). Collection method: clinical testing. Allele origin: germline.
Comment: This sequence change replaces proline, which is neutral and non-polar, with leucine, which is neutral and non-polar, at codon 1141 of the SCN8A protein (p.Pro1141Leu). This variant is not present in population databases (gnomAD no frequency). This variant has not been reported in the literature in individuals affected with SCN8A-related conditions. ClinVar contains an entry for this variant (Variation ID: 1923446). Invitae Evidence Modeling of protein sequence and biophysical properties (such as structural, functional, and spatial information, amino acid conservation, physicochemical variation, residue mobility, and thermodynamic stability) indicates that this missense variant is not expected to disrupt SCN8A protein function with a negative predictive value of 95%. In summary, the available evidence is currently insufficient to determine the role of this variant in disease. Therefore, it has been classified as a Variant of Uncertain Significance.

Women's Health and Genetics/Laboratory Corporation of America, LabCorp
Classification: Uncertain significance. Last evaluated: 2024-07-12. Review status: criteria provided, single submitter. Criteria: LabCorp Variant Classification Summary - May 2015. Collection method: clinical testing. Allele origin: germline.
Comment: Variant summary: SCN8A c.3422C>T (p.Pro1141Leu) results in a non-conservative amino acid change located in the Sodium ion transport-associated domain (IPR010526) of the encoded protein sequence. Three of five in-silico tools predict a benign effect of the variant on protein function. The variant was absent in 240206 control chromosomes. The available data on variant occurrences in the general population are insufficient to allow any conclusion about variant significance. To our knowledge, no occurrence of c.3422C>T in individuals affected with Early Infantile Epileptic Encephalopathy 13 and no experimental evidence demonstrating its impact on protein function have been reported. ClinVar contains an entry for this variant (Variation ID: 1923446). Based on the evidence outlined above, the variant was classified as uncertain significance.

Neuberg Centre For Genomic Medicine, NCGM
Classification: Uncertain significance for Developmental and epileptic encephalopathy, 13. Last evaluated: 2023-07-22. Review status: criteria provided, single submitter. Criteria: ACMG Guidelines, 2015. Collection method: clinical testing. Allele origin: germline. Inheritance: Autosomal dominant inheritance. Affected: yes.
Comment: The observed missense variant c.3422C>Tp.Pro1141Leu in the SCN8A gene has not been reported previously as a pathogenic variant nor as a benign variant, to our knowledge. This variant is absent in the gnomAD Exomes. This variant has been reported to the ClinVar database as Uncertain Significance. However, no details are available for independent assessment. The amino acid Pro at position 1141 is changed to a Leu changing protein sequence and it might alter its composition and physico- chemical properties. Computational evidence Polyphen - Benign, SIFT - Tolerated and MutationTaster - Disease causing predicts conflicting evidence on protein structure and function for this variant. The residue is conserved by GERP++ and PhyloP across 100 vertebrates. For these reasons, this variant has been classified as Uncertain Significance.